The following is an entry in ClinVar:

ClinVar aggregate classification (germline): Uncertain significance (0 of 4 stars; one submission).

Submission:

ISCA site 1
Classification: Uncertain significance. Last evaluated: 2011-05-06. Review status: no assertion criteria provided. Collection method: clinical testing. Allele origin: paternal. Affected: yes. Observed: 1 variant allele.
Comment: Copy number variation identified through the course of routine clinical cytogenomic testing in postnatal populations. Clinical assertions have been curated as described in Kaminsky et al. 2011.

Copy number variation identified through the course of routine clinical cytogenomic testing in postnatal populations. Clinical assertions have been curated as described in Kaminsky, et al. 2011 (PubMed 21844811). For additional ClinGen data, please see nstd37.

GRCh38/hg38 8p23.1(chr8:9239988-10057038)x3

Genes: MIR124-1 (microRNA 124-1), MIR124-1HG (MIR124-1 host gene), MIR597 (microRNA 597), MSRA (methionine sulfoxide reductase A), TNKS (tankyrase) and 15 more. Cytogenetic location: 8p23.1.
Variant type: copy number gain.
Change: copy number 3 (three copies instead of two) of chr8:9,239,988-10,057,038 (817.1 kb, GRCh38 coordinates, 1-based), cytogenetic band 8p23.1.
Identifiers: ClinVar variation 58399 (VCV000058399.2).